The following is an entry in ClinVar:

ClinVar aggregate classification (germline): Likely benign (1 of 4 stars; one submission).

gnomAD v4.1: 5 of 1,612,504 alleles (0.00031%); highest among the groups gnomAD compares: Non-Finnish European, 0.00042%; no homozygotes.

Submission:

CeGaT Center for Human Genetics Tuebingen
Classification: Likely benign. Last evaluated: 2026-05-01. Review status: criteria provided, single submitter. Criteria: CeGaT Center For Human Genetics Tuebingen Variant Classification Criteria Version 2. Collection method: clinical testing. Allele origin: germline. Affected: yes. Observed: 1 variant allele.
Comment: TMEM63C: BP4, BP7

NM_020431.4(TMEM63C):c.87C>A (p.Val29=)

Gene: TMEM63C (transmembrane protein 63C; plus strand). Cytogenetic location: 14q24.3.
Variant type: single nucleotide variant.
Coding change: c.87C>A on transcript NM_020431.4 (MANE Select); coding-DNA position 87, C replaced by A.
Protein change: p.Val29=; no amino-acid change (valine 29 retained).
Molecular consequence: synonymous variant.
Genome position (GRCh38, 1-based): chr14:77,218,900, C>A. VCF-style: chr14-77218900-C-A. GRCh37 (hg19) VCF-style: chr14-77685243-C-A.
Identifiers: ClinVar variation 4875035 (VCV004875035.2).